The following is an entry in ClinVar:

ClinVar aggregate classification (germline): Pathogenic (1 of 4 stars; one submission).

gnomAD v4.1: 2 of 1,614,062 alleles (0.00012%); highest among the groups gnomAD compares: South Asian, 0.0011%; no homozygotes.

Submission:

GeneDx
Classification: Pathogenic. Last evaluated: 2014-06-25. Review status: criteria provided, single submitter. Criteria: GeneDx Variant Classification (06012015). Collection method: clinical testing. Allele origin: germline. Affected: yes.
Comment: c.1484+1 G>T: IVS13+1 G>T in intron 13 of the POMT2 gene (NM_013382.5). The c.1484+1 G>T splice site mutation in the POMT2 gene destroys the canonical splice donor site in intron 13 and is predicted to cause abnormal gene splicing, either leading to an abnormal message that is subject to nonsense-mediated mRNA decay or to an abnormal protein product if the message is used for protein translation. The variant is found in BRAINMALFORMATION panel(s).

NM_013382.7(POMT2):c.1484+1G>T

Gene: POMT2 (protein O-mannosyltransferase 2; minus strand). Cytogenetic location: 14q24.3.
Variant type: single nucleotide variant.
Coding change: c.1484+1G>T on transcript NM_013382.7 (MANE Select); the canonical splice donor site of the intron after coding-DNA position 1484, G replaced by T.
Molecular consequence: splice donor variant.
Genome position (GRCh38, 1-based): chr14:77,285,480, C>A on the plus strand (G>T on the coding strand, the complement: POMT2 is on the minus strand). VCF-style: chr14-77285480-C-A. GRCh37 (hg19) VCF-style: chr14-77751823-C-A.
Identifiers: ClinVar variation 162599 (VCV000162599.2), dbSNP rs727502857, ClinGen allele CA295440.